The following is an entry in ClinVar:

ClinVar aggregate classification (germline): Pathogenic. Review status: reviewed by expert panel (3 of 4 stars). 2 submissions from 2 submitters: Pathogenic (1). 1 of the submissions does not count toward it. Last evaluated 2017-12-15.

Conditions:
Breast-ovarian cancer, familial, susceptibility to, 1 (BROVCA1). Also called: OVARIAN CANCER, SUSCEPTIBILITY TO; BRCA1 Hereditary Breast and Ovarian Cancer. Identifiers: Orphanet 145, MedGen C2676676, MONDO:0011450, OMIM 604370. Disease mechanism: loss of function.
Familial cancer of breast. Also called: Hereditary breast cancer; hereditary breast carcinoma; BREAST CANCER, FAMILIAL. Identifiers: Orphanet 227535, MedGen C0346153, MONDO:0016419, OMIM 114480. Disease mechanism: loss of function.

Submissions (2):

Evidence-based Network for the Interpretation of Germline Mutant Alleles (ENIGMA)
Classification: Pathogenic for Breast-ovarian cancer, familial, susceptibility to, 1. Last evaluated: 2017-12-15. Review status: reviewed by expert panel. Criteria: ENIGMA BRCA1/2 Classification Criteria (2017-06-29). Collection method: curation. Allele origin: germline. Study: ENIGMA.
Comment: Variant allele predicted to encode a truncated non-functional protein.

ClinVar Staff, National Center for Biotechnology Information (NCBI)
No classification provided. Condition: Familial cancer of breast. Review status: no classification provided. Collection method: literature only. Allele origin: germline. Affected: yes. Not counted in ClinVar's aggregate classification.

Literature cited by the submitters: PubMed 15865297 (cited by ClinVar Staff, National Center for Biotechnology Information (NCBI)).

NM_007294.4(BRCA1):c.2844_2853del (p.Gly949fs)

Gene: BRCA1 (BRCA1 DNA repair associated; minus strand). Cytogenetic location: 17q21.31.
Variant type: Deletion.
Coding change: c.2844_2853del on transcript NM_007294.4 (MANE Select); coding-DNA positions 2844 to 2853, 10 bases deleted (AGGCTCTAGG; older notation c.2844_2853delAGGCTCTAGG).
Protein change: p.Gly949fs; shifts the reading frame from glycine 949.
Molecular consequence: frameshift variant. On other transcripts: intron variant (137).
Genome position (GRCh38, 1-based): chr17:43,092,678-43,092,687, CCTAGAGCCT deleted on the plus strand (AGGCTCTAGG on the coding strand, the reverse complement: BRCA1 is on the minus strand); deleting any 10 consecutive bases within chr17:43,092,678-43,092,690 gives the same sequence; the c. name uses the placement nearest the transcript's 3' end. VCF-style (leftmost placement, unchanged base first): chr17-43092677-ACCTAGAGCCT-A. GRCh37 (hg19) VCF-style: chr17-41244694-ACCTAGAGCCT-A.
Other names: c.2844_2853delAGGCTCTAGG (NM_007294.3); c.2631_2640del, p.Gly878fs (NM_001407571.1, NM_001407853.1, NM_001407894.1 and 9 more transcripts); c.2844_2853del, p.Gly949fs (NM_001407581.1, NM_001407582.1, NM_001407583.1 and 30 more transcripts); c.2841_2850del, p.Gly948fs (NM_001407587.1, NM_001407590.1, NM_001407591.1 and 22 more transcripts); c.2835_2844del, p.Gly946fs (NM_001407646.1, NM_001407647.1); c.2721_2730del, p.Gly908fs (NM_001407648.1, NM_001407664.1, NM_001407665.1 and 19 more transcripts); c.2718_2727del, p.Gly907fs (NM_001407649.1, NM_001407670.1, NM_001407671.1 and 11 more transcripts); c.2766_2775del, p.Gly923fs (NM_001407653.1, NM_001407654.1, NM_001407655.1 and 4 more transcripts); and 42 more; short protein forms G902fs, G949fs, G821fs, G837fs, G838fs, G860fs, G879fs, G901fs.
Identifiers: ClinVar variation 54698 (VCV000054698.3), dbSNP rs397509017, ClinGen allele CA001857.
Genomic context (GRCh38, chr17:43,092,677, plus strand): 5'-CATGTTTATTTGGAGTAATGAGTCCAGTTTCGTTGCCTCTGAACTGAGATGATAGACAAA[ACCTAGAGCCT>A]CCTTTGATACTACATTTGGCATTATCAACTGGCTTATCTTTCTGACCAACCACAGGAAAG-3'